The following is an entry in ClinVar:

NM_002471.4(MYH6):c.3500A>C (p.Lys1167Thr)

Gene: MYH6 (myosin heavy chain 6; minus strand). Cytogenetic location: 14q11.2.
Variant type: single nucleotide variant.
Coding change: c.3500A>C on transcript NM_002471.4 (MANE Select); coding-DNA position 3500, A replaced by C.
Protein change: p.Lys1167Thr; replaces lysine 1167 with threonine.
Molecular consequence: missense variant.
Genome position (GRCh38, 1-based): chr14:23,390,289, T>G on the plus strand (A>C on the coding strand, the complement: MYH6 is on the minus strand). VCF-style: chr14-23390289-T-G. GRCh37 (hg19) VCF-style: chr14-23859498-T-G.
Other names: short protein forms K1167T.
Identifiers: ClinVar variation 1732065 (VCV001732065.4), dbSNP rs775248044, ClinGen allele CA7115161.
Genomic context (GRCh38, chr14:23,390,289, plus strand): 5'-TGCTGCAGCGTGGCCTCCTCCAGGTCCCGCCGCATCTTCTGGAACTCGGCCTCGCGCTTC[T>G]TGTTCATCTCGATCTGCACGGACGTGGCCCCGCCGGCCTCTTCCAGCCGCTCGCTGATCT-3'
Protein context (NP_002462.2, residues 1157-1177): GATSVQIEMN[Lys1167Thr]KREAEFQKMR

ClinVar aggregate classification (germline): Uncertain significance. Review status: criteria provided, multiple submitters, no conflicts (2 of 4 stars). 3 submissions from 3 submitters: Uncertain significance (3). Last evaluated 2025-11-27.

Conditions:
Hypertrophic cardiomyopathy 14. Identifiers: MedGen C2750467, MONDO:0013197, OMIM 613251.
Cardiovascular phenotype. Identifiers: MedGen CN230736.

Allele frequency attached by ClinVar (database versions not stated): gnomAD 0.00001; TOPMed 0.00001; gnomAD exomes 0.00003 and 0.00005; ExAC 0.00004.

Submissions (3):

Labcorp Genetics (formerly Invitae), Labcorp
Classification: Uncertain significance for Hypertrophic cardiomyopathy 14. Last evaluated: 2025-11-27. Review status: criteria provided, single submitter. Criteria: Invitae Variant Classification Sherloc (09022015). Collection method: clinical testing. Allele origin: germline.
Comment: This sequence change replaces lysine, which is basic and polar, with threonine, which is neutral and polar, at codon 1167 of the MYH6 protein (p.Lys1167Thr). This variant is present in population databases (rs775248044, gnomAD 0.04%). This variant has not been reported in the literature in individuals affected with MYH6-related conditions. ClinVar contains an entry for this variant (Variation ID: 1732065). Invitae Evidence Modeling of protein sequence and biophysical properties (such as structural, functional, and spatial information, amino acid conservation, physicochemical variation, residue mobility, and thermodynamic stability) indicates that this missense variant is not expected to disrupt MYH6 protein function with a negative predictive value of 80%. In summary, the available evidence is currently insufficient to determine the role of this variant in disease. Therefore, it has been classified as a Variant of Uncertain Significance.

Clinical Genetics Laboratory, Skane University Hospital Lund
Classification: Uncertain significance. Last evaluated: 2022-08-30. Review status: criteria provided, single submitter. Criteria: ACMG Guidelines, 2015. Collection method: clinical testing. Allele origin: germline. Affected: yes.

Ambry Genetics
Classification: Uncertain significance for Cardiovascular phenotype. Last evaluated: 2021-01-19. Review status: criteria provided, single submitter. Criteria: Ambry Variant Classification Scheme 2023. Collection method: clinical testing. Allele origin: germline.
Comment: The p.K1167T variant (also known as c.3500A>C), located in coding exon 24 of the MYH6 gene, results from an A to C substitution at nucleotide position 3500. The lysine at codon 1167 is replaced by threonine, an amino acid with similar properties. This variant has been detected in an individual with neurofibromatosis type 1 and restrictive cardiomyopathy who also had additional variants in other cardiac-related genes (Kizawa M et al. Can J Cardiol, 2018 10;34:1369.e5-1369.e7). This amino acid position is highly conserved in available vertebrate species. In addition, the in silico prediction for this alteration is inconclusive. Since supporting evidence is limited at this time, the clinical significance of this alteration remains unclear.

Literature cited by the submitters: PubMed 30269836 (cited by Ambry Genetics).